The following is an entry in ClinVar:

ClinVar aggregate classification (germline): Conflicting classifications of pathogenicity. Review status: criteria provided, conflicting classifications (1 of 4 stars). 3 submissions from 3 submitters: Uncertain significance (2); Likely benign (1). Last evaluated 2025-04-21.

Conditions:
Tumor predisposition syndrome 3 (TPDS3). Also called: Melanoma, cutaneous malignant, susceptibility to, 10; Glioma susceptibility 9; LONG TELOMERE SYNDROME, POT1-RELATED; POT1 Tumor Predisposition. Identifiers: Orphanet 618, MedGen C4014476, MONDO:0014368, OMIM 615848.
Hereditary cancer-predisposing syndrome. Also called: Neoplastic Syndromes, Hereditary; Tumor predisposition; Hereditary Cancer Syndrome; Hereditary neoplastic syndrome. Identifiers: Orphanet 140162, MedGen C0027672, MeSH D009386, MONDO:0015356.

gnomAD v4.1: 3 of 1,612,476 alleles (0.00019%); highest among the groups gnomAD compares: African/African-American, 0.004%; no homozygotes.

Submissions (3):

Labcorp Genetics (formerly Invitae), Labcorp
Classification: Uncertain significance for Tumor predisposition syndrome 3. Last evaluated: 2025-04-21. Review status: criteria provided, single submitter. Criteria: Invitae Variant Classification Sherloc (09022015). Collection method: clinical testing. Allele origin: germline.
Comment: This sequence change replaces glycine, which is neutral and non-polar, with aspartic acid, which is acidic and polar, at codon 404 of the POT1 protein (p.Gly404Asp). This variant is present in population databases (rs35536751, gnomAD 0.01%). This variant has not been reported in the literature in individuals affected with POT1-related conditions. ClinVar contains an entry for this variant (Variation ID: 1337083). Invitae Evidence Modeling of protein sequence and biophysical properties (such as structural, functional, and spatial information, amino acid conservation, physicochemical variation, residue mobility, and thermodynamic stability) indicates that this missense variant is not expected to disrupt POT1 protein function with a negative predictive value of 80%. In summary, the available evidence is currently insufficient to determine the role of this variant in disease. Therefore, it has been classified as a Variant of Uncertain Significance.

Ambry Genetics
Classification: Likely benign for Hereditary cancer-predisposing syndrome. Last evaluated: 2024-05-29. Review status: criteria provided, single submitter. Criteria: Ambry Variant Classification Scheme 2023. Collection method: clinical testing. Allele origin: germline.

Genetic Services Laboratory, University of Chicago
Classification: Uncertain significance. Last evaluated: 2019-03-28. Review status: criteria provided, single submitter. Criteria: ACMG Guidelines, 2015. Collection method: clinical testing. Allele origin: germline. Affected: no.

NM_015450.3(POT1):c.1211G>A (p.Gly404Asp)

Gene: POT1 (protection of telomeres 1; minus strand). Cytogenetic location: 7q31.33.
Variant type: single nucleotide variant.
Coding change: c.1211G>A on transcript NM_015450.3 (MANE Select); coding-DNA position 1211, G replaced by A.
Protein change: p.Gly404Asp; replaces glycine 404 with aspartic acid.
Molecular consequence: missense variant. On other transcripts: non-coding transcript variant (3).
Genome position (GRCh38, 1-based): chr7:124,841,131, C>T on the plus strand (G>A on the coding strand, the complement: POT1 is on the minus strand). VCF-style: chr7-124841131-C-T. GRCh37 (hg19) VCF-style: chr7-124481185-C-T.
Other names: c.818G>A, p.Gly273Asp (NM_001042594.2); short protein forms G273D, G404D.
Identifiers: ClinVar variation 1337083 (VCV001337083.11), dbSNP rs35536751, ClinGen allele CA4465187.
Genomic context (GRCh38, chr7:124,841,131, plus strand): 5'-CAGATTTTTGAATCATATAATGATGTATTTTGTAGCTTGACATCTGGGGTTTTAGTTGCA[C>T]CATCCTGAAAAATTATATCCAAATCGCCCTCATGTGGAACTTCTTGCCTAAAATTATTGG-3'
Protein context (NP_056265.2, residues 394-414): EGDLDIIFQD[Gly404Asp]ATKTPDVKLQ